The following is an entry in ClinVar:

NM_021870.3(FGG):c.662A>G (p.Gln221Arg)

Gene: FGG (fibrinogen gamma chain; minus strand). Cytogenetic location: 4q32.1.
Variant type: single nucleotide variant.
Coding change: c.662A>G on transcript NM_021870.3 (MANE Select); coding-DNA position 662, A replaced by G.
Protein change: p.Gln221Arg; replaces glutamine 221 with arginine.
Molecular consequence: missense variant.
Genome position (GRCh38, 1-based): chr4:154,609,634, T>C on the plus strand (A>G on the coding strand, the complement: FGG is on the minus strand). VCF-style: chr4-154609634-T-C. GRCh37 (hg19) VCF-style: chr4-155530786-T-C.
Other names: c.662A>G, p.Gln221Arg (NM_000509.6); short protein forms Q221R.
Identifiers: ClinVar variation 4071871 (VCV004071871.1).
Genomic context (GRCh38, chr4:154,609,634, plus strand): 5'-ATATGGCAGAAACAATGTAGGAATTTATTAAATACACATGGTGGGGAAAAAATTACCTTC[T>C]GAAACACAGTCCATCCATTTCCAGACCCATCGATTTCACAGTAGACTAAGAATTGCTGGT-3'
Protein context (NP_068656.2, residues 211-231): DGSGNGWTVF[Gln221Arg]KRLDGSVDFK

ClinVar aggregate classification (germline): Uncertain significance (1 of 4 stars; one submission).

Submission:

GeneDx
Classification: Uncertain significance. Last evaluated: 2025-01-23. Review status: criteria provided, single submitter. Criteria: GeneDx Variant Classification Process June 2021. Collection method: clinical testing. Allele origin: germline. Affected: yes.
Comment: Not observed at significant frequency in large population cohorts (gnomAD); In silico analysis supports that this missense variant has a deleterious effect on protein structure/function; Has not been previously published as pathogenic or benign to our knowledge